The following is an entry in ClinVar:

NM_000493.4(COL10A1):c.115A>G (p.Lys39Glu)

Genes: COL10A1 (collagen type X alpha 1 chain; minus strand), NT5DC1 (5'-nucleotidase domain containing 1; plus strand). Cytogenetic location: 6q22.1.
Variant type: single nucleotide variant.
Coding change: c.115A>G on transcript NM_000493.4 (MANE Select); coding-DNA position 115, A replaced by G.
Protein change: p.Lys39Glu; replaces lysine 39 with glutamic acid.
Molecular consequence: missense variant. On other transcripts: intron variant (1).
Genome position (GRCh38, 1-based): chr6:116,125,378, T>C on the plus strand (A>G on the coding strand, the complement: COL10A1 is on the minus strand). VCF-style: chr6-116125378-T-C. GRCh37 (hg19) VCF-style: chr6-116446541-T-C.
Other names: c.115A>G, p.Lys39Glu (NM_001424106.1, NM_001424107.1); c.529+7433T>C (NM_152729.3); short protein forms K39E.
Identifiers: ClinVar variation 1478638 (VCV001478638.6), dbSNP rs777154342, ClinGen allele CA3968494.

ClinVar aggregate classification (germline): Uncertain significance (1 of 4 stars; one submission).

Allele frequency attached by ClinVar (database versions not stated): gnomAD exomes below 0.00001; ExAC 0.00001; gnomAD 0.00001; TOPMed 0.00001.
gnomAD v4.1: 6 of 1,613,654 alleles (0.00037%); highest among the groups gnomAD compares: Admixed American, 0.0017%; no homozygotes.

Submission:

Labcorp Genetics (formerly Invitae), Labcorp
Classification: Uncertain significance. Last evaluated: 2024-08-24. Review status: criteria provided, single submitter. Criteria: Invitae Variant Classification Sherloc (09022015). Collection method: clinical testing. Allele origin: germline.
Comment: This sequence change replaces lysine, which is basic and polar, with glutamic acid, which is acidic and polar, at codon 39 of the COL10A1 protein (p.Lys39Glu). This variant is present in population databases (rs777154342, gnomAD 0.0009%). This variant has not been reported in the literature in individuals affected with COL10A1-related conditions. ClinVar contains an entry for this variant (Variation ID: 1478638). Invitae Evidence Modeling of protein sequence and biophysical properties (such as structural, functional, and spatial information, amino acid conservation, physicochemical variation, residue mobility, and thermodynamic stability) indicates that this missense variant is not expected to disrupt COL10A1 protein function with a negative predictive value of 80%. In summary, the available evidence is currently insufficient to determine the role of this variant in disease. Therefore, it has been classified as a Variant of Uncertain Significance.